The following is an entry in ClinVar:

ClinVar aggregate classification (germline): Benign/Likely benign. Review status: criteria provided, multiple submitters, no conflicts (2 of 4 stars). 4 submissions from 4 submitters: Benign (1); Likely benign (3). Last evaluated 2024-08-01.

Conditions:
Ataxia-telangiectasia syndrome (AT). Also called: Cerebello-oculocutaneous telangiectasia; Immunodeficiency with ataxia telangiectasia; Ataxia-telangiectasia, complementation group E; Ataxia telangiectasia (A-T); LOUIS-BAR SYNDROME; Ataxia-telangiectasia, complementation group D. Identifiers: Orphanet 100, MedGen C0004135, MONDO:0008840, OMIM 208900.
Hereditary cancer-predisposing syndrome. Also called: Tumor predisposition; Neoplastic Syndromes, Hereditary; Hereditary Cancer Syndrome; Hereditary neoplastic syndrome. Identifiers: Orphanet 140162, MedGen C0027672, MeSH D009386, MONDO:0015356.
Familial cancer of breast. Also called: Hereditary breast cancer; hereditary breast carcinoma; BREAST CANCER, FAMILIAL. Identifiers: Orphanet 227535, MedGen C0346153, MONDO:0016419, OMIM 114480. Disease mechanism: loss of function.

Allele frequency attached by ClinVar (database versions not stated): gnomAD exomes below 0.00001; TOPMed below 0.00001; gnomAD 0.00001.
gnomAD v4.1: 2 of 1,613,848 alleles (0.00012%); highest among the groups gnomAD compares: Non-Finnish European, 0.00017%; no homozygotes.

Submissions (4):

CeGaT Center for Human Genetics Tuebingen
Classification: Likely benign. Last evaluated: 2024-08-01. Review status: criteria provided, single submitter. Criteria: CeGaT Center For Human Genetics Tuebingen Variant Classification Criteria Version 2. Collection method: clinical testing. Allele origin: germline. Affected: yes. Observed: 1 variant allele.
Comment: ATM: BP4, BP7

Labcorp Genetics (formerly Invitae), Labcorp
Classification: Likely benign for Ataxia-telangiectasia syndrome. Last evaluated: 2024-07-22. Review status: criteria provided, single submitter. Criteria: Invitae Variant Classification Sherloc (09022015). Collection method: clinical testing. Allele origin: germline.

Myriad Genetics, Inc.
Classification: Benign for Familial cancer of breast. Last evaluated: 2024-04-24. Review status: criteria provided, single submitter. Criteria: Myriad Autosomal Dominant, Autosomal Recessive and X-Linked Classification Criteria (2023). Collection method: clinical testing. Allele origin: unknown.
Comment: This variant is considered benign. This variant is a silent/synonymous amino acid change and it is not expected to impact splicing.

Ambry Genetics
Classification: Likely benign for Hereditary cancer-predisposing syndrome. Last evaluated: 2023-06-18. Review status: criteria provided, single submitter. Criteria: Ambry Variant Classification Scheme 2023. Collection method: clinical testing. Allele origin: germline.

NM_000051.4(ATM):c.996T>C (p.Tyr332=)

Gene: ATM (ATM serine/threonine kinase; plus strand). Cytogenetic location: 11q22.3.
Variant type: single nucleotide variant.
Coding change: c.996T>C on transcript NM_000051.4 (MANE Select); coding-DNA position 996, T replaced by C.
Protein change: p.Tyr332=; no amino-acid change (tyrosine 332 retained).
Molecular consequence: synonymous variant.
Genome position (GRCh38, 1-based): chr11:108,247,058, T>C. VCF-style: chr11-108247058-T-C. GRCh37 (hg19) VCF-style: chr11-108117785-T-C.
Other names: c.996T>C, p.Tyr332= (NM_001351834.2).
Identifiers: ClinVar variation 798670 (VCV000798670.26), dbSNP rs1476261420, ClinGen allele CA476671546.
Genomic context (GRCh38, chr11:108,247,058, plus strand): 5'-ATACAACTTATATGATCTGCTAGTGAATGAGATAAGTCATATAGGAAGTAGAGGAAAGTA[T>C]TCTTCAGGATTTCGTAATATTGCCGTCAAAGAAAATTTGATTGAATTGATGGCAGATATC-3'
Protein context (NP_000042.3, residues 322-342): EISHIGSRGK[Tyr332=]SSGFRNIAVK